The following is an entry in ClinVar:

ClinVar aggregate classification (germline): Conflicting classifications of pathogenicity. Review status: criteria provided, conflicting classifications (1 of 4 stars). 3 submissions from 3 submitters: Uncertain significance (2); Likely benign (1). Last evaluated 2025-08-14.

Conditions:
Inborn genetic diseases. Identifiers: MedGen C0950123, MeSH D030342.
Alzheimer disease. Also called: Presenile and senile dementia; Alzheimer's disease. Identifiers: Orphanet 1020, MedGen C0002395, MeSH D000544, MONDO:0004975, HP:0002511.

Allele frequency attached by ClinVar (database versions not stated): ExAC 0.00003; gnomAD 0.00010; TOPMed 0.00012; ESP Exome Variant Server 0.00015; 1000 Genomes Project 0.00020; 1000 Genomes Project 30x 0.00031.

Submissions (3):

Ambry Genetics
Classification: Uncertain significance for Inborn genetic diseases. Last evaluated: 2025-08-14. Review status: criteria provided, single submitter. Criteria: Ambry Variant Classification Scheme 2023. Collection method: clinical testing. Allele origin: germline.

Mayo Clinic Laboratories, Mayo Clinic
Classification: Uncertain significance. Last evaluated: 2024-02-21. Review status: criteria provided, single submitter. Criteria: ACMG Guidelines, 2015. Collection method: clinical testing. Allele origin: germline. Observed: 1 variant allele.
Comment: PP3

Labcorp Genetics (formerly Invitae), Labcorp
Classification: Likely benign for Alzheimer disease. Last evaluated: 2022-12-02. Review status: criteria provided, single submitter. Criteria: Invitae Variant Classification Sherloc (09022015). Collection method: clinical testing. Allele origin: germline.

NM_000484.4(APP):c.510G>A (p.Met170Ile)

Gene: APP (amyloid beta precursor protein; minus strand). Cytogenetic location: 21q21.3.
Variant type: single nucleotide variant.
Coding change: c.510G>A on transcript NM_000484.4 (MANE Select); coding-DNA position 510, G replaced by A.
Protein change: p.Met170Ile; replaces methionine 170 with isoleucine.
Molecular consequence: missense variant.
Genome position (GRCh38, 1-based): chr21:26,051,152, C>T on the plus strand (G>A on the coding strand, the complement: APP is on the minus strand). VCF-style: chr21-26051152-C-T. GRCh37 (hg19) VCF-style: chr21-27423468-C-T.
Other names: p.Met170Ile; c.510G>A (NM_000484.3); c.495G>A, p.Met165Ile (NM_001136016.3); c.342G>A, p.Met114Ile (NM_001136129.3, NM_001136130.3); c.405G>A, p.Met135Ile (NM_001136131.3); c.510G>A, p.Met170Ile (NM_001204301.2, NM_001204302.2, NM_001204303.2 and 3 more transcripts); short protein forms M114I, M165I, M170I, M135I.
Identifiers: ClinVar variation 2062782 (VCV002062782.6), dbSNP rs372642708, ClinGen allele CA9987627.
Genomic context (GRCh38, chr21:26,051,152, plus strand): 5'-AGCCAGTGGGCAACACACAAACTCTACCCCTCGGAACTTGTCAATTCCGCAGGGCAGCAA[C>T]ATGCCGTAGTCATGCAAGTTGGTACTCTTCTCACTGCATGTCTACAAAGTGTAAGGAGAA-3'
Protein context (NP_000475.1, residues 160-180): EKSTNLHDYG[Met170Ile]LLPCGIDKFR